The following is an entry in ClinVar:

NM_000143.4(FH):c.167C>G (p.Thr56Ser)

Gene: FH (fumarate hydratase; minus strand). Cytogenetic location: 1q43.
Variant type: single nucleotide variant.
Coding change: c.167C>G on transcript NM_000143.4 (MANE Select); coding-DNA position 167, C replaced by G.
Protein change: p.Thr56Ser; replaces threonine 56 with serine.
Molecular consequence: missense variant.
Genome position (GRCh38, 1-based): chr1:241,517,282, G>C on the plus strand (C>G on the coding strand, the complement: FH is on the minus strand). VCF-style: chr1-241517282-G-C. GRCh37 (hg19) VCF-style: chr1-241680582-G-C.
Other names: short protein forms T56S.
Identifiers: ClinVar variation 819805 (VCV000819805.11), dbSNP rs1433872618, ClinGen allele CA345441960.

ClinVar aggregate classification (germline): Uncertain significance. Review status: criteria provided, multiple submitters, no conflicts (2 of 4 stars). 2 submissions from 2 submitters: Uncertain significance (2). Last evaluated 2024-06-06.

Conditions:
Hereditary cancer-predisposing syndrome. Also called: Neoplastic Syndromes, Hereditary; Tumor predisposition; Hereditary Cancer Syndrome; Hereditary neoplastic syndrome. Identifiers: Orphanet 140162, MedGen C0027672, MeSH D009386, MONDO:0015356.

Allele frequency attached by ClinVar (database versions not stated): gnomAD 0.00001; TOPMed 0.00001.
gnomAD v4.1: 5 of 1,613,930 alleles (0.00031%); highest among the groups gnomAD compares: Non-Finnish European, 0.00042%; no homozygotes.

Submissions (2):

Labcorp Genetics (formerly Invitae), Labcorp
Classification: Uncertain significance. Last evaluated: 2024-06-06. Review status: criteria provided, single submitter. Criteria: Invitae Variant Classification Sherloc (09022015). Collection method: clinical testing. Allele origin: germline.
Comment: This sequence change replaces threonine, which is neutral and polar, with serine, which is neutral and polar, at codon 56 of the FH protein (p.Thr56Ser). This variant is not present in population databases (gnomAD no frequency). This variant has not been reported in the literature in individuals affected with FH-related conditions. ClinVar contains an entry for this variant (Variation ID: 819805). Advanced modeling of protein sequence and biophysical properties (such as structural, functional, and spatial information, amino acid conservation, physicochemical variation, residue mobility, and thermodynamic stability) performed at Invitae indicates that this missense variant is not expected to disrupt FH protein function with a negative predictive value of 95%. In summary, the available evidence is currently insufficient to determine the role of this variant in disease. Therefore, it has been classified as a Variant of Uncertain Significance.

Ambry Genetics
Classification: Uncertain significance for Hereditary cancer-predisposing syndrome. Last evaluated: 2018-07-26. Review status: criteria provided, single submitter. Criteria: Ambry Variant Classification Scheme 2023. Collection method: clinical testing. Allele origin: germline.
Comment: The p.T56S variant (also known as c.167C>G), located in coding exon 2 of the FH gene, results from a C to G substitution at nucleotide position 167. The threonine at codon 56 is replaced by serine, an amino acid with similar properties. This amino acid position is highly conserved in available vertebrate species. In addition, this alteration is predicted to be deleterious by in silico analysis. Since supporting evidence is limited at this time, the clinical significance of this alteration remains unclear.